The following is an entry in ClinVar:

NM_001110556.2(FLNA):c.2747A>T (p.Lys916Met)

Gene: FLNA (filamin A; minus strand). Cytogenetic location: Xq28.
Variant type: single nucleotide variant.
Coding change: c.2747A>T on transcript NM_001110556.2 (MANE Select); coding-DNA position 2747, A replaced by T.
Protein change: p.Lys916Met; replaces lysine 916 with methionine.
Molecular consequence: missense variant.
Genome position (GRCh38, 1-based): chrX:154,362,058, T>A on the plus strand (A>T on the coding strand, the complement: FLNA is on the minus strand). VCF-style: chrX-154362058-T-A. GRCh37 (hg19) VCF-style: chrX-153590426-T-A.
Other names: c.2747A>T, p.Lys916Met (NM_001456.4); short protein forms K916M.
Identifiers: ClinVar variation 2502622 (VCV002502622.2), dbSNP rs2522747095, ClinGen allele CA415232845.

ClinVar aggregate classification (germline): Uncertain significance. Review status: criteria provided, multiple submitters, no conflicts (2 of 4 stars). 2 submissions from 2 submitters: Uncertain significance (2). Last evaluated 2022-11-28.

Submissions (2):

Blueprint Genetics
Classification: Uncertain significance. Last evaluated: 2022-11-28. Review status: criteria provided, single submitter. Criteria: ACMG Guidelines, 2015. Collection method: clinical testing. Allele origin: germline.

GeneDx
Classification: Uncertain significance. Last evaluated: 2022-11-22. Review status: criteria provided, single submitter. Criteria: GeneDx Variant Classification Process June 2021. Collection method: clinical testing. Allele origin: germline. Affected: yes.
Comment: Not observed at significant frequency in large population cohorts (gnomAD); In silico analysis supports that this missense variant has a deleterious effect on protein structure/function; Has not been previously published as pathogenic or benign to our knowledge; This variant is associated with the following publications: (PMID: 32123317)